The following is an entry in ClinVar:

NC_000019.9:g.(?_38979797)_(39010114_?)dup

Gene: RYR1 (ryanodine receptor 1; plus strand). Cytogenetic location: 19q13.2.
Variant type: Duplication.
Identifiers: ClinVar variation 3242625 (VCV003242625.1).

ClinVar aggregate classification (germline): Likely pathogenic (1 of 4 stars; one submission).

Conditions:
RYR1-related disorder. Also called: RYR1-related disorders; RYR1-related condition. Identifiers: MedGen CN239331.

Submission:

Labcorp Genetics (formerly Invitae), Labcorp
Classification: Likely pathogenic for RYR1-related disorder. Last evaluated: 2023-11-28. Review status: criteria provided, single submitter. Criteria: Invitae Variant Classification Sherloc (09022015). Collection method: clinical testing. Allele origin: unknown.
Comment: This variant results in a copy number gain of the genomic region encompassing exon(s) 35-67 of the RYR1 gene. While the exact position of this variant cannot be determined from the data, sub-genic copy number gains are generally in tandem (PMID: 25640679). This variant is predicted to be out-of-frame, and may result in an absent or disrupted protein product. Loss-of-function variants in RYR1 are known to be pathogenic (PMID: 23919265, 25960145, 28818389, 30611313). This variant has not been reported in the literature in individuals affected with RYR1-related conditions. In summary, the currently available evidence indicates that the variant is pathogenic, but additional data are needed to prove that conclusively. Therefore, this variant has been classified as Likely Pathogenic.

Literature cited by the submitters: PubMed 25640679; PubMed 23919265; PubMed 25960145; PubMed 28818389; PubMed 30611313.